The following is an entry in ClinVar:

ClinVar aggregate classification (germline): Uncertain significance. Review status: criteria provided, multiple submitters, no conflicts (2 of 4 stars). 4 submissions from 4 submitters: Uncertain significance (4). Last evaluated 2025-02-08.

Conditions:
Muscular dystrophy-dystroglycanopathy (congenital with brain and eye anomalies), type a, 11 (MDDGA11). Also called: Congenital muscular dystrophy-dystroglycanopathy with brain and eye anomalies, type A11; Muscular dystrophy-dystroglycanopathy (congenital with brain and eye anomalies, type A, 11; WALKER-WARBURG SYNDROME OR MUSCLE-EYE-BRAIN DISEASE, B3GALNT2-RELATED. Identifiers: Orphanet 588, Orphanet 899, MedGen C3554638, MONDO:0014071, OMIM 615181.
Inborn genetic diseases. Identifiers: MedGen C0950123, MeSH D030342.

Allele frequency attached by ClinVar (database versions not stated): ESP Exome Variant Server 0.00015; TOPMed 0.00016.
gnomAD v4.1: 271 of 1,614,054 alleles (0.017%); highest among the groups gnomAD compares: Non-Finnish European, 0.021%; no homozygotes.

Submissions (4):

Ambry Genetics
Classification: Uncertain significance for Inborn genetic diseases. Last evaluated: 2025-02-08. Review status: criteria provided, single submitter. Criteria: Ambry Variant Classification Scheme 2023. Collection method: clinical testing. Allele origin: germline.

Labcorp Genetics (formerly Invitae), Labcorp
Classification: Uncertain significance for Muscular dystrophy-dystroglycanopathy (congenital with brain and eye anomalies), type a, 11. Last evaluated: 2022-09-19. Review status: criteria provided, single submitter. Criteria: Invitae Variant Classification Sherloc (09022015). Collection method: clinical testing. Allele origin: germline.
Comment: This sequence change replaces valine, which is neutral and non-polar, with leucine, which is neutral and non-polar, at codon 147 of the B3GALNT2 protein (p.Val147Leu). This variant is present in population databases (rs143983025, gnomAD 0.03%). This variant has not been reported in the literature in individuals affected with B3GALNT2-related conditions. ClinVar contains an entry for this variant (Variation ID: 210513). Advanced modeling of protein sequence and biophysical properties (such as structural, functional, and spatial information, amino acid conservation, physicochemical variation, residue mobility, and thermodynamic stability) performed at Invitae indicates that this missense variant is not expected to disrupt B3GALNT2 protein function. In summary, the available evidence is currently insufficient to determine the role of this variant in disease. Therefore, it has been classified as a Variant of Uncertain Significance.

GeneDx
Classification: Uncertain significance. Last evaluated: 2017-05-25. Review status: criteria provided, single submitter. Criteria: GeneDx Variant Classification (06012015). Collection method: clinical testing. Allele origin: germline. Affected: yes.
Comment: A variant of uncertain significance has been identified in the B3GALNT2 gene. The V147L variant has not been published as a pathogenic variant, nor has it been reported as a benign variant to our knowledge. The V147L variant is observed in 3/11566 (0.03%) alleles from individuals of Latino background, in the ExAC dataset (Lek et al., 2016; 1000 Genomes Consortium et al., 2015; Exome Variant Server). The V147L variant is a conservative amino acid substitution, which is not likely to impact secondary protein structure as these residues share similar properties. However, this substitution occurs at a position that is conserved across species. In silico analysis is inconsistent in its predictions as to whether or not the variant is damaging to the protein structure/function. Therefore, based on the currently available information, it is unclear whether this variant is a pathogenic variant or a rare benign variant.

Genetic Services Laboratory, University of Chicago
Classification: Uncertain significance. Last evaluated: 2015-02-18. Review status: criteria provided, single submitter. Criteria: ACMG Guidelines, 2015. Collection method: clinical testing. Allele origin: germline.

NM_152490.5(B3GALNT2):c.439G>C (p.Val147Leu)

Gene: B3GALNT2 (beta-1,3-N-acetylgalactosaminyltransferase 2; minus strand). Cytogenetic location: 1q42.3.
Variant type: single nucleotide variant.
Coding change: c.439G>C on transcript NM_152490.5 (MANE Select); coding-DNA position 439, G replaced by C.
Protein change: p.Val147Leu; replaces valine 147 with leucine.
Molecular consequence: missense variant.
Genome position (GRCh38, 1-based): chr1:235,484,438, C>G on the plus strand (G>C on the coding strand, the complement: B3GALNT2 is on the minus strand). VCF-style: chr1-235484438-C-G. GRCh37 (hg19) VCF-style: chr1-235647754-C-G.
Other names: c.562G>C, p.Val188Leu (NM_001277155.3); short protein forms V147L, V188L.
Identifiers: ClinVar variation 210513 (VCV000210513.13), dbSNP rs143983025, ClinGen allele CA206607.